The following is an entry in ClinVar:

ClinVar aggregate classification (germline): Uncertain significance (1 of 4 stars; one submission).

Conditions:
Immunodeficiency 51 (IMD51). Also called: CANDIDIASIS, FAMILIAL, 5. Identifiers: Orphanet 1334, MedGen C4310803, MONDO:0013500, OMIM 613953.

Allele frequency attached by ClinVar (database versions not stated): gnomAD exomes below 0.00001 and 0.00001; ExAC 0.00002; TOPMed 0.00006; ESP Exome Variant Server 0.00008; gnomAD 0.00008 and 0.00009.

Submission:

Labcorp Genetics (formerly Invitae), Labcorp
Classification: Uncertain significance for Immunodeficiency 51. Last evaluated: 2022-08-16. Review status: criteria provided, single submitter. Criteria: Invitae Variant Classification Sherloc (09022015). Collection method: clinical testing. Allele origin: germline.
Comment: This sequence change replaces glutamic acid, which is acidic and polar, with lysine, which is basic and polar, at codon 241 of the IL17RA protein (p.Glu241Lys). This variant is present in population databases (rs140868574, gnomAD 0.02%). This variant has not been reported in the literature in individuals affected with IL17RA-related conditions. ClinVar contains an entry for this variant (Variation ID: 1478608). Algorithms developed to predict the effect of missense changes on protein structure and function (SIFT, PolyPhen-2, Align-GVGD) all suggest that this variant is likely to be tolerated. In summary, the available evidence is currently insufficient to determine the role of this variant in disease. Therefore, it has been classified as a Variant of Uncertain Significance.

NM_014339.7(IL17RA):c.721G>A (p.Glu241Lys)

Gene: IL17RA (interleukin 17 receptor A; plus strand). Cytogenetic location: 22q11.1.
Variant type: single nucleotide variant.
Coding change: c.721G>A on transcript NM_014339.7 (MANE Select); coding-DNA position 721, G replaced by A.
Protein change: p.Glu241Lys; replaces glutamic acid 241 with lysine.
Molecular consequence: missense variant.
Genome position (GRCh38, 1-based): chr22:17,102,261, G>A. VCF-style: chr22-17102261-G-A. GRCh37 (hg19) VCF-style: chr22-17583151-G-A.
Other names: c.721G>A, p.Glu241Lys (NM_001289905.2); short protein forms E241K.
Identifiers: ClinVar variation 1478608 (VCV001478608.3), dbSNP rs140868574, ClinGen allele CA10086462.
Genomic context (GRCh38, chr22:17,102,261, plus strand): 5'-TTCACCCTGTGGAACGAATCTACCCATTACCAGATCCTGCTGACCAGTTTTCCGCACATG[G>A]AGAACCACAGTTGCTTTGAGCACATGCACCACATACCTGCGGTAACTCTGCTCTTTTTGA-3'
Protein context (NP_055154.3, residues 231-251): QILLTSFPHM[Glu241Lys]NHSCFEHMHH